The following is an entry in ClinVar:

ClinVar aggregate classification (germline): Pathogenic. Review status: criteria provided, multiple submitters, no conflicts (2 of 4 stars). 2 submissions from 2 submitters: Pathogenic (2). Last evaluated 2019-07-08.

Conditions:
Cardiovascular phenotype. Identifiers: MedGen CN230736.
Cardiomyopathy (CMYO). Also called: Cardiomyopathies. Identifiers: Orphanet 167848, MedGen C0878544, MONDO:0004994, HP:0001638. Inheritance: Various modes of inheritance.

Submissions (2):

Ambry Genetics
Classification: Pathogenic for Cardiovascular phenotype. Last evaluated: 2019-07-08. Review status: criteria provided, single submitter. Criteria: Ambry Variant Classification Scheme 2023. Collection method: clinical testing. Allele origin: germline.
Comment: The c.1890delC pathogenic mutation, located in coding exon 19 of the MYBPC3 gene, results from a deletion of one nucleotide at nucleotide position 1890, causing a translational frameshift with a predicted alternate stop codon (p.F631Sfs*32). This alteration has been detected in a hypertrophic cardiomyopathy cohort (Wang J et al. Eur. J. Heart Fail., 2014 Sep;16:950-7). This alteration is expected to result in loss of function by premature protein truncation or nonsense-mediated mRNA decay. As such, this alteration is interpreted as a disease-causing mutation.

CHEO Genetics Diagnostic Laboratory, Children's Hospital of Eastern Ontario
Classification: Pathogenic for Cardiomyopathy. Last evaluated: 2019-01-16. Review status: criteria provided, single submitter. Criteria: ACMG Guidelines, 2015. Collection method: clinical testing. Allele origin: germline.

Literature cited by the submitters: PubMed 25132132 (cited by Ambry Genetics).

NM_000256.3(MYBPC3):c.1890del (p.Phe631fs)

Gene: MYBPC3 (myosin binding protein C3; minus strand). Cytogenetic location: 11p11.2.
Variant type: Deletion.
Coding change: c.1890del on transcript NM_000256.3 (MANE Select); coding-DNA position 1890, one base deleted (C; older notation c.1890delC).
Protein change: p.Phe631fs; shifts the reading frame from phenylalanine 631.
Molecular consequence: frameshift variant.
Genome position (GRCh38, 1-based): chr11:47,341,145, G deleted on the plus strand (C on the coding strand, the reverse complement: MYBPC3 is on the minus strand). VCF-style (leftmost placement, unchanged base first): chr11-47341144-AG-A. GRCh37 (hg19) VCF-style: chr11-47362695-AG-A.
Other names: c.1890delC (NM_000256.3); short protein forms F631fs.
Identifiers: ClinVar variation 626766 (VCV000626766.5), dbSNP rs1565627110, ClinGen allele CA913190278.